The following is an entry in ClinVar:

NM_001276345.2(TNNT2):c.143C>A (p.Thr48Asn)

Gene: TNNT2 (troponin T2, cardiac type; minus strand). Cytogenetic location: 1q32.1.
Variant type: single nucleotide variant.
Coding change: c.143C>A on transcript NM_001276345.2 (MANE Select); coding-DNA position 143, C replaced by A.
Protein change: p.Thr48Asn; replaces threonine 48 with asparagine.
Molecular consequence: missense variant.
Genome position (GRCh38, 1-based): chr1:201,368,182, G>T on the plus strand (C>A on the coding strand, the complement: TNNT2 is on the minus strand). VCF-style: chr1-201368182-G-T. GRCh37 (hg19) VCF-style: chr1-201337310-G-T.
Other names: c.143C>A, p.Thr48Asn (NM_000364.4, NM_001276346.2, NM_001406723.1); c.113C>A, p.Thr38Asn (NM_001001430.3, NM_001001431.3, NM_001276347.2 and 4 more transcripts); c.98C>A, p.Thr33Asn (NM_001001432.3, NM_001406728.1); short protein forms T33N, T38N, T48N.
Identifiers: ClinVar variation 3971637 (VCV003971637.2).
Genomic context (GRCh38, chr1:201,368,182, plus strand): 5'-CCACCCCCTGAGGCCCCTGCACCCTCAACCAGAGACTTACCTTCTGCCCTGGTCTCCTCG[G>T]TCTCAGCCTCTGCTTCAGCATCCTCTTCCGCTGCCTCCTCCTGCTCTGGAGAAGTGAAGC-3'
Protein context (NP_001263274.1, residues 38-58): AEEDAEAEAE[Thr48Asn]EETRAEEDEE

ClinVar aggregate classification (germline): Uncertain significance. Review status: criteria provided, multiple submitters, no conflicts (2 of 4 stars). 2 submissions from 2 submitters: Uncertain significance (2). Last evaluated 2025-08-19.

Conditions:
Cardiomyopathy (CMYO). Also called: Cardiomyopathies. Identifiers: Orphanet 167848, MedGen C0878544, MONDO:0004994, HP:0001638. Inheritance: Various modes of inheritance.
Cardiovascular phenotype. Identifiers: MedGen CN230736.

Submissions (2):

Color Diagnostics, LLC DBA Color Health
Classification: Uncertain significance for Cardiomyopathy. Last evaluated: 2025-08-19. Review status: criteria provided, single submitter. Criteria: ACMG Guidelines, 2015. Collection method: clinical testing. Allele origin: germline.
Comment: This missense variant replaces threonine with asparagine at codon 38 of the TNNT2 protein. Computational prediction suggests that this variant may have deleterious impact on protein structure and function. To our knowledge, functional studies have not been reported for this variant. This variant has been reported in an individual with hypertrophic cardiomyopathy who also carried a pathogenic truncation variant in the MYBPC3 gene (PMID: 25132132). This variant has not been identified in the general population by the Genome Aggregation Database (gnomAD). The available evidence is insufficient to determine the role of this variant in disease conclusively. Therefore, this variant is classified as a Variant of Uncertain Significance.

Ambry Genetics
Classification: Uncertain significance for Cardiovascular phenotype. Last evaluated: 2025-05-06. Review status: criteria provided, single submitter. Criteria: Ambry Variant Classification Scheme 2023. Collection method: clinical testing. Allele origin: germline.
Comment: The p.T38N variant (also known as c.113C>A), located in coding exon 4 of the TNNT2 gene, results from a C to A substitution at nucleotide position 113. The threonine at codon 38 is replaced by asparagine, an amino acid with similar properties. This variant was reported in individual(s) with features consistent with hypertrophic cardiomyopathy (HCM) (Wang J et al. Eur J Heart Fail, 2014 Sep;16:950-7). This amino acid position is not well conserved in available vertebrate species. In addition, the in silico prediction for this alteration is inconclusive. Based on the available evidence, the clinical significance of this variant remains unclear.

Literature cited by the submitters: PubMed 25132132 (cited by Color Diagnostics, LLC DBA Color Health and Ambry Genetics).